The following is an entry in ClinVar:

ClinVar aggregate classification (germline): Uncertain significance (1 of 4 stars; one submission).

Conditions:
Cardiomyopathy (CMYO). Also called: Cardiomyopathies. Identifiers: Orphanet 167848, MedGen C0878544, MONDO:0004994, HP:0001638. Inheritance: Various modes of inheritance.

Submission:

Color Diagnostics, LLC DBA Color Health
Classification: Uncertain significance for Cardiomyopathy. Last evaluated: 2025-10-20. Review status: criteria provided, single submitter. Criteria: ACMG Guidelines, 2015. Collection method: clinical testing. Allele origin: germline.
Comment: This missense variant replaces alanine with glycine at codon 522 of the RYR2 protein. Computational prediction is inconclusive regarding the impact of this variant on protein structure and function. To our knowledge, functional studies have not been reported for this variant. This variant has not been reported in individuals affected with RYR2-related disorders in the literature. This variant has not been identified in the general population by the Genome Aggregation Database (gnomAD). The available evidence is insufficient to determine the role of this variant in disease conclusively. Therefore, this variant is classified as a Variant of Uncertain Significance.

NM_001035.3(RYR2):c.1565C>G (p.Ala522Gly)

Gene: RYR2 (ryanodine receptor 2; plus strand). Cytogenetic location: 1q43.
Variant type: single nucleotide variant.
Coding change: c.1565C>G on transcript NM_001035.3 (MANE Select); coding-DNA position 1565, C replaced by G.
Protein change: p.Ala522Gly; replaces alanine 522 with glycine.
Molecular consequence: missense variant.
Genome position (GRCh38, 1-based): chr1:237,456,688, C>G. VCF-style: chr1-237456688-C-G. GRCh37 (hg19) VCF-style: chr1-237619988-C-G.
Other names: short protein forms A522G.
Identifiers: ClinVar variation 4758236 (VCV004758236.1).
Genomic context (GRCh38, chr1:237,456,688, plus strand): 5'-TAGACCGTTTGCACGTCTACAGCAGTGCAGCACACTTTGCTGATGTTGCTGGGCGAGAAG[C>G]AGGAGAGTCTTGGAAATCCATTCTGAATTCTCTGTATGAGTTGCTGGGTAAGAAGCATGA-3'
Protein context (NP_001026.2, residues 512-532): AHFADVAGRE[Ala522Gly]GESWKSILNS